The following is an entry in ClinVar:

NM_001148.6(ANK2):c.3584G>A (p.Gly1195Asp)

Gene: ANK2 (ankyrin 2; plus strand). Cytogenetic location: 4q26.
Variant type: single nucleotide variant.
Coding change: c.3584G>A on transcript NM_001148.6 (MANE Select); coding-DNA position 3584, G replaced by A.
Protein change: p.Gly1195Asp; replaces glycine 1195 with aspartic acid.
Molecular consequence: missense variant. On other transcripts: 5 prime UTR variant (2).
Genome position (GRCh38, 1-based): chr4:113,336,050, G>A. VCF-style: chr4-113336050-G-A. GRCh37 (hg19) VCF-style: chr4-114257206-G-A.
Other names: c.3557G>A, p.Gly1186Asp (NM_001127493.3); c.3596G>A, p.Gly1199Asp (NM_001354225.2); c.3485G>A, p.Gly1162Asp (NM_001354228.2, NM_001354258.2); c.3563G>A, p.Gly1188Asp (NM_001354230.2); c.3626G>A, p.Gly1209Asp (NM_001354231.2, NM_001354242.2); c.3620G>A, p.Gly1207Asp (NM_001354232.2); c.3581G>A, p.Gly1194Asp (NM_001354235.2, NM_001354246.2, NM_001354265.2); c.3482G>A, p.Gly1161Asp (NM_001354236.2); and 31 more; short protein forms G1034D, G1067D, G1095D, G1100D, G1108D, G1120D, G1124D, G1128D.
Identifiers: ClinVar variation 3895323 (VCV003895323.1), dbSNP rs2153959631.
Genomic context (GRCh38, chr4:113,336,050, plus strand): 5'-TGGTGCCCCAGGTGCAGGCCGTCTTCCCAGAGGGGGCACTCACCAAGCGGATCCGCGTAG[G>A]CCTGCAGGTATGCCCATGTTAGATGCAAATGATCCTAACAGGATTGTATTCTAATGATTA-3'
Protein context (NP_001139.3, residues 1185-1205): EGALTKRIRV[Gly1195Asp]LQAQPMHSEL

ClinVar aggregate classification (germline): Uncertain significance (1 of 4 stars; one submission).

Conditions:
Cardiovascular phenotype. Identifiers: MedGen CN230736.

gnomAD v4.1: 1 of 1,613,770 alleles (0.000062%); highest among the groups gnomAD compares: South Asian, 0.0011%; no homozygotes.

Submission:

Molecular Diagnostic Laboratory for Inherited Cardiovascular Disease, Montreal Heart Institute
Classification: Uncertain significance for Cardiovascular phenotype. Last evaluated: 2025-04-09. Review status: criteria provided, single submitter. Criteria: ACMG Guidelines, 2015. Collection method: clinical testing. Allele origin: germline. Affected: yes.
Comment: PM2, PP3